The following is an entry in ClinVar:

NM_000497.4(CYP11B1):c.146G>A (p.Trp49Ter)

Gene: CYP11B1 (cytochrome P450 family 11 subfamily B member 1; minus strand). Cytogenetic location: 8q24.3.
Variant type: single nucleotide variant.
Coding change: c.146G>A on transcript NM_000497.4 (MANE Select); coding-DNA position 146, G replaced by A.
Protein change: p.Trp49Ter; replaces tryptophan 49 with a stop codon.
Molecular consequence: nonsense.
Genome position (GRCh38, 1-based): chr8:142,879,668, C>T on the plus strand (G>A on the coding strand, the complement: CYP11B1 is on the minus strand). VCF-style: chr8-142879668-C-T. GRCh37 (hg19) VCF-style: chr8-143961084-C-T.
Other names: c.146G>A, p.Trp49Ter (NM_001026213.1); short protein forms W49*.
Identifiers: ClinVar variation 2045819 (VCV002045819.4), dbSNP rs2488682060, ClinGen allele CA372397256.
Genomic context (GRCh38, chr8:142,879,668, plus strand): 5'-TGTACTTCCAGGTGCAGGTCCTCATAACCCTGCTCCCTCCAGATCTGCAGCAGCCTCAGC[C>T]ACCTGTTGCCTGGACGCCGGGGCATGGCTTCAAAGGGCAGCACTGTCCTGGGGACCCGGG-3'

ClinVar aggregate classification (germline): Pathogenic (1 of 4 stars; one submission).

Allele frequency attached by ClinVar (database versions not stated): gnomAD 0.00001.
gnomAD v4.1: 1 of 1,614,134 alleles (0.000062%); highest among the groups gnomAD compares: Admixed American, 0.0017%; no homozygotes.

Submission:

Labcorp Genetics (formerly Invitae), Labcorp
Classification: Pathogenic. Last evaluated: 2022-03-18. Review status: criteria provided, single submitter. Criteria: Invitae Variant Classification Sherloc (09022015). Collection method: clinical testing. Allele origin: germline.
Comment: For these reasons, this variant has been classified as Pathogenic. This variant has not been reported in the literature in individuals affected with CYP11B1-related conditions. This variant is not present in population databases (gnomAD no frequency). This sequence change creates a premature translational stop signal (p.Trp49*) in the CYP11B1 gene. It is expected to result in an absent or disrupted protein product. Loss-of-function variants in CYP11B1 are known to be pathogenic (PMID: 8506298, 26476331).

Literature cited by the submitters: PubMed 8506298; PubMed 26476331.